The following is an entry in ClinVar:

ClinVar aggregate classification (germline): Uncertain significance. Review status: criteria provided, multiple submitters, no conflicts (2 of 4 stars). 3 submissions from 3 submitters: Uncertain significance (3). Last evaluated 2025-04-13.

Conditions:
Autosomal recessive limb-girdle muscular dystrophy type 2Q (LGMDR17). Also called: MUSCULAR DYSTROPHY, LIMB-GIRDLE, AUTOSOMAL RECESSIVE 17. Identifiers: Orphanet 254361, MedGen C3150989, MONDO:0013390, OMIM 613723.
Epidermolysis bullosa simplex 5B, with muscular dystrophy (EBS5B). Also called: Epidermolysis bullosa simplex with muscular dystrophy; EPIDERMOLYSIS BULLOSA SIMPLEX AND LIMB-GIRDLE MUSCULAR DYSTROPHY. Identifiers: Orphanet 257, MedGen C2931072, MONDO:0009181, OMIM 226670.
Epidermolysis bullosa simplex 5C, with pyloric atresia (EBS5C). Also called: PLEC1-Related Epidermolysis Bullosa with Pyloric Atresia; PLEC-Related Epidermolysis Bullosa with Pyloric Atresia; Epidermolysis bullosa simplex with pyloric atresia. Identifiers: Orphanet 158684, MedGen C2677349, MONDO:0012807, OMIM 612138.
Epidermolysis bullosa simplex, Ogna type (EBS5A). Also called: Pidermolysis bullosa simplex 5A, Ogna type; EPIDERMOLYSIS BULLOSA SIMPLEX 5A, OGNA TYPE. Identifiers: Orphanet 79401, MedGen C0432317, MONDO:0007555, OMIM 131950.
Epidermolysis bullosa simplex with nail dystrophy (EBS5D). Identifiers: MedGen C4225309, MONDO:0014661, OMIM 616487.

Allele frequency attached by ClinVar (database versions not stated): gnomAD 0.00004; TOPMed 0.00004; gnomAD exomes 0.00005 and 0.00006; ExAC 0.00006; ESP Exome Variant Server 0.00015; 1000 Genomes Project 0.00020; 1000 Genomes Project 30x 0.00031.
gnomAD v4.1: 75 of 1,607,674 alleles (0.0047%); highest among the groups gnomAD compares: Middle Eastern, 0.033%; no homozygotes.

Submissions (3):

Labcorp Genetics (formerly Invitae), Labcorp
Classification: Uncertain significance for Autosomal recessive limb-girdle muscular dystrophy type 2Q; Epidermolysis bullosa simplex, Ogna type; Epidermolysis bullosa simplex with nail dystrophy; Epidermolysis bullosa simplex 5C, with pyloric atresia; Epidermolysis bullosa simplex 5B, with muscular dystrophy. Last evaluated: 2025-04-13. Review status: criteria provided, single submitter. Criteria: Invitae Variant Classification Sherloc (09022015). Collection method: clinical testing. Allele origin: germline.
Comment: This sequence change replaces arginine, which is basic and polar, with tryptophan, which is neutral and slightly polar, at codon 2309 of the PLEC protein (p.Arg2309Trp). This variant is present in population databases (rs368433409, gnomAD 0.01%). This variant has not been reported in the literature in individuals affected with PLEC-related conditions. ClinVar contains an entry for this variant (Variation ID: 1009155). An algorithm developed to predict the effect of missense changes on protein structure and function (PolyPhen-2) suggests that this variant is likely to be disruptive. In summary, the available evidence is currently insufficient to determine the role of this variant in disease. Therefore, it has been classified as a Variant of Uncertain Significance.

Blueprint Genetics
Classification: Uncertain significance. Last evaluated: 2024-08-15. Review status: criteria provided, single submitter. Criteria: ACMG Guidelines, 2015. Collection method: clinical testing. Allele origin: germline.

CeGaT Center for Human Genetics Tuebingen
Classification: Uncertain significance. Last evaluated: 2024-04-01. Review status: criteria provided, single submitter. Criteria: CeGaT Center For Human Genetics Tuebingen Variant Classification Criteria Version 2. Collection method: clinical testing. Allele origin: germline. Affected: yes. Observed: 1 variant allele.

NM_201384.3(PLEC):c.6844C>T (p.Arg2282Trp)

Gene: PLEC (plectin; minus strand). Cytogenetic location: 8q24.3.
Variant type: single nucleotide variant.
Coding change: c.6844C>T on transcript NM_201384.3 (MANE Select); coding-DNA position 6844, C replaced by T.
Protein change: p.Arg2282Trp; replaces arginine 2282 with tryptophan.
Molecular consequence: missense variant.
Genome position (GRCh38, 1-based): chr8:143,923,085, G>A on the plus strand (C>T on the coding strand, the complement: PLEC is on the minus strand). VCF-style: chr8-143923085-G-A. GRCh37 (hg19) VCF-style: chr8-144997253-G-A.
Other names: c.6925C>T, p.Arg2309Trp (NM_000445.5); c.6802C>T, p.Arg2268Trp (NM_201378.4); c.6778C>T, p.Arg2260Trp (NM_201379.3); c.7255C>T, p.Arg2419Trp (NM_201380.4); c.6748C>T, p.Arg2250Trp (NM_201381.3); c.6844C>T, p.Arg2282Trp (NM_201382.4); c.6856C>T, p.Arg2286Trp (NM_201383.3); short protein forms R2250W, R2260W, R2268W, R2282W, R2286W, R2309W, R2419W.
Identifiers: ClinVar variation 1009155 (VCV001009155.26), dbSNP rs368433409, ClinGen allele CA4925831.